The following is an entry in ClinVar:

ClinVar aggregate classification (germline): Uncertain significance (1 of 4 stars; one submission).

Submission:

Labcorp Genetics (formerly Invitae), Labcorp
Classification: Uncertain significance. Last evaluated: 2023-06-03. Review status: criteria provided, single submitter. Criteria: Invitae Variant Classification Sherloc (09022015). Collection method: clinical testing. Allele origin: germline.
Comment: In summary, the available evidence is currently insufficient to determine the role of this variant in disease. Therefore, it has been classified as a Variant of Uncertain Significance. Algorithms developed to predict the effect of missense changes on protein structure and function output the following: SIFT: "Not Available"; PolyPhen-2: "Benign"; Align-GVGD: "Not Available". The isoleucine amino acid residue is found in multiple mammalian species, which suggests that this missense change does not adversely affect protein function. This variant has not been reported in the literature in individuals affected with CFH-related conditions. This variant is not present in population databases (gnomAD no frequency). This sequence change replaces threonine, which is neutral and polar, with isoleucine, which is neutral and non-polar, at codon 900 of the CFH protein (p.Thr900Ile).

NM_000186.4(CFH):c.2699C>T (p.Thr900Ile)

Gene: CFH (complement factor H; plus strand). Cytogenetic location: 1q31.3.
Variant type: single nucleotide variant.
Coding change: c.2699C>T on transcript NM_000186.4 (MANE Select); coding-DNA position 2699, C replaced by T.
Protein change: p.Thr900Ile; replaces threonine 900 with isoleucine.
Molecular consequence: missense variant.
Genome position (GRCh38, 1-based): chr1:196,737,577, C>T. VCF-style: chr1-196737577-C-T. GRCh37 (hg19) VCF-style: chr1-196706707-C-T.
Other names: short protein forms T900I.
Identifiers: ClinVar variation 2791586 (VCV002791586.3), dbSNP rs2529534607, ClinGen allele CA343993973.
Genomic context (GRCh38, chr1:196,737,577, plus strand): 5'-CCATTAATTCATCCAGGTCTTCACAAGAAAGTTATGCACATGGGACTAAATTGAGTTATA[C>T]TTGTGAGGGTGGTTTCAGGATATCTGAAGAAAATGAAACAACATGCTACATGGGAAAATG-3'
Protein context (NP_000177.2, residues 890-910): SYAHGTKLSY[Thr900Ile]CEGGFRISEE